The following is an entry in ClinVar:

ClinVar aggregate classification (germline): Uncertain significance (1 of 4 stars; one submission).

Conditions:
PRPH2-related disorder. Also called: PRPH2-related condition; PRPH2-related disorders. Identifiers: MedGen CN239395.

Submission:

Labcorp Genetics (formerly Invitae), Labcorp
Classification: Uncertain significance for PRPH2-related disorder. Last evaluated: 2023-06-04. Review status: criteria provided, single submitter. Criteria: Invitae Variant Classification Sherloc (09022015). Collection method: clinical testing. Allele origin: germline.
Comment: In summary, the available evidence is currently insufficient to determine the role of this variant in disease. Therefore, it has been classified as a Variant of Uncertain Significance. Advanced modeling of protein sequence and biophysical properties (such as structural, functional, and spatial information, amino acid conservation, physicochemical variation, residue mobility, and thermodynamic stability) has been performed at Invitae for this missense variant, however the output from this modeling did not meet the statistical confidence thresholds required to predict the impact of this variant on PRPH2 protein function. This variant has not been reported in the literature in individuals affected with PRPH2-related conditions. This variant is not present in population databases (gnomAD no frequency). This sequence change replaces asparagine, which is neutral and polar, with serine, which is neutral and polar, at codon 109 of the PRPH2 protein (p.Asn109Ser).

NM_000322.5(PRPH2):c.326A>G (p.Asn109Ser)

Gene: PRPH2 (peripherin 2; minus strand). Cytogenetic location: 6p21.1.
Variant type: single nucleotide variant.
Coding change: c.326A>G on transcript NM_000322.5 (MANE Select); coding-DNA position 326, A replaced by G.
Protein change: p.Asn109Ser; replaces asparagine 109 with serine.
Molecular consequence: missense variant.
Genome position (GRCh38, 1-based): chr6:42,722,009, T>C on the plus strand (A>G on the coding strand, the complement: PRPH2 is on the minus strand). VCF-style: chr6-42722009-T-C. GRCh37 (hg19) VCF-style: chr6-42689747-T-C.
Other names: short protein forms N109S.
Identifiers: ClinVar variation 2767001 (VCV002767001.3), dbSNP rs2548309757, ClinGen allele CA364137795.
Genomic context (GRCh38, chr6:42,722,009, plus strand): 5'-GTGTTCTCCAGCGAGCCCCGAAGCAGAAAGCAGCAGAGAGCCACAAGGAAGAGGATGATG[T>C]TGAAGAGAACACAGATAGCCAGGTACGGCTTCAGCCAGGGCTTCCATCTGGCATACTTGG-3'
Protein context (NP_000313.2, residues 99-119): KPYLAICVLF[Asn109Ser]IILFLVALCC